The following is an entry in ClinVar:

ClinVar aggregate classification (germline): Uncertain significance. Review status: criteria provided, multiple submitters, no conflicts (2 of 4 stars). 2 submissions from 2 submitters: Uncertain significance (2). Last evaluated 2025-03-17.

Conditions:
ZTTK syndrome (ZTTKS). Also called: ZTTK MULTIPLE CONGENITAL ANOMALIES-MENTAL RETARDATION SYNDROME; Zhu-Tokita-Takenouchi-Kim Syndrome. Identifiers: Orphanet 500150, MedGen C4310696, MONDO:0014936, OMIM 617140.

Allele frequency attached by ClinVar (database versions not stated): gnomAD exomes below 0.00001; ExAC 0.00001.

Submissions (2):

Labcorp Genetics (formerly Invitae), Labcorp
Classification: Uncertain significance. Last evaluated: 2025-03-17. Review status: criteria provided, single submitter. Criteria: Invitae Variant Classification Sherloc (09022015). Collection method: clinical testing. Allele origin: germline.
Comment: This sequence change replaces methionine, which is neutral and non-polar, with isoleucine, which is neutral and non-polar, at codon 1125 of the SON protein (p.Met1125Ile). This variant is present in population databases (rs777671909, gnomAD 0.0009%). This variant has not been reported in the literature in individuals affected with SON-related conditions. ClinVar contains an entry for this variant (Variation ID: 1410273). An algorithm developed to predict the effect of missense changes on protein structure and function (PolyPhen-2) suggests that this variant is likely to be disruptive. In summary, the available evidence is currently insufficient to determine the role of this variant in disease. Therefore, it has been classified as a Variant of Uncertain Significance.

Pittsburgh Clinical Genomics Laboratory, University of Pittsburgh Medical Center
Classification: Uncertain significance for ZTTK syndrome. Last evaluated: 2023-02-23. Review status: criteria provided, single submitter. Criteria: ACMG Guidelines, 2015. Collection method: clinical testing. Allele origin: germline. Inheritance: Autosomal dominant inheritance. Affected: yes.
Comment: This sequence variant is a single nucleotide substitution (G>A) at coding position 3375 of the SON gene that results in a methionine to isolecuine amino acid change at residue 1125 of the SON protein. This is a previously reported variant (ClinVar) that has not been observed in the literature in individuals with SON-related illness, to our knowledge. This variant is present in the gnomAD population database (1 of 251484 alleles or 0.0004%). Multiple bioinformatic tools predict that this variant would be tolerated; however, the Met1125 residue is well conserved across the mammalian species examined. Functiol studies testing the effect of this variant have not been performed, to our knowledge. At this time, there is insufficient evidence to determine if this variant is pathogenic or benign. Therefore, we consider this to be a variant of uncertain significance. ACMG Criteria: BP1, BP4, PM2

NM_138927.4(SON):c.3375G>A (p.Met1125Ile)

Gene: SON (SON DNA and RNA binding protein; plus strand). Cytogenetic location: 21q22.11.
Variant type: single nucleotide variant.
Coding change: c.3375G>A on transcript NM_138927.4 (MANE Select); coding-DNA position 3375, G replaced by A.
Protein change: p.Met1125Ile; replaces methionine 1125 with isoleucine.
Molecular consequence: missense variant. On other transcripts: non-coding transcript variant (1), intron variant (1).
Genome position (GRCh38, 1-based): chr21:33,552,606, G>A. VCF-style: chr21-33552606-G-A. GRCh37 (hg19) VCF-style: chr21-34924912-G-A.
Other names: c.3375G>A, p.Met1125Ile (NM_001291411.2, NM_032195.3); c.245-4550G>A (NM_001291412.3); c.3375G>A (NM_032195.2); short protein forms M1125I.
Identifiers: ClinVar variation 1410273 (VCV001410273.7), dbSNP rs777671909, ClinGen allele CA10009277.